The following is an entry in ClinVar:

ClinVar aggregate classification (germline): Uncertain significance (1 of 4 stars; one submission).

Conditions:
Granulomatous disease, chronic, X-linked. Also called: GRANULOMATOUS DISEASE, CHRONIC, X-LINKED, SOMATIC MOSAIC; CYTOCHROME b-NEGATIVE GRANULOMATOUS DISEASE, CHRONIC, X-LINKED. Identifiers: Orphanet 379, MedGen C1844376, MONDO:0010600, OMIM 306400.

Submission:

Labcorp Genetics (formerly Invitae), Labcorp
Classification: Uncertain significance for Granulomatous disease, chronic, X-linked. Last evaluated: 2024-09-11. Review status: criteria provided, single submitter. Criteria: Invitae Variant Classification Sherloc (09022015). Collection method: clinical testing. Allele origin: germline.
Comment: This sequence change falls in intron 5 of the CYBB gene. It does not directly change the encoded amino acid sequence of the CYBB protein. It affects a nucleotide within the consensus splice site. This variant is not present in population databases (gnomAD no frequency). This variant has not been reported in the literature in individuals affected with CYBB-related conditions. Variants that disrupt the consensus splice site are a relatively common cause of aberrant splicing (PMID: 17576681, 9536098). Algorithms developed to predict the effect of sequence changes on RNA splicing suggest that this variant is not likely to affect RNA splicing. In summary, the available evidence is currently insufficient to determine the role of this variant in disease. Therefore, it has been classified as a Variant of Uncertain Significance.

Literature cited by the submitters: PubMed 17576681; PubMed 9536098.

NM_000397.4(CYBB):c.483+6C>A

Gene: CYBB (cytochrome b-245 beta chain; plus strand). Cytogenetic location: Xp21.1.
Variant type: single nucleotide variant.
Coding change: c.483+6C>A on transcript NM_000397.4 (MANE Select); 6 bases into the intron after coding-DNA position 483, C replaced by A.
Molecular consequence: intron variant.
Genome position (GRCh38, 1-based): chrX:37,793,816, C>A. VCF-style: chrX-37793816-C-A. GRCh37 (hg19) VCF-style: chrX-37653069-C-A.
Identifiers: ClinVar variation 3625341 (VCV003625341.2).
Genomic context (GRCh38, chrX:37,793,816, plus strand): 5'-ACTTGGAGACAGGCAAAATGAAAGTTATCTCAATTTTGCTCGAAAGAGAATAAAGGTAAG[C>A]CTCTCATTATCTGACTTAGATATTCTCTAGGCCATTACAATTGAGGACTAGATTTCAGTG-3'